The following is an entry in ClinVar:

ClinVar aggregate classification (germline): Likely pathogenic (1 of 4 stars; one submission).

Conditions:
Classic homocystinuria. Also called: Homocystinuria due to CBS deficiency; Cystathionine beta-synthase deficiency; CBS deficiency; HOMOCYSTINURIA WITH OR WITHOUT RESPONSE TO PYRIDOXINE; Homocystinuria due to Cystathionine Beta-Synthase Deficiency. Identifiers: Orphanet 394, MedGen C0751202, MONDO:0009352, OMIM 236200.

Submission:

Clinical Research Development Center, Iran University of Medical Sciences (IUMS)
Classification: Likely pathogenic for Classic homocystinuria. Last evaluated: 2026-06-21. Review status: criteria provided, single submitter. Criteria: ACMG Guidelines, 2015. Collection method: clinical testing. Allele origin: germline. Affected: yes.
Comment: The c.194A>C variant in CBS gene was absent from large population studies (PM2). It is a missense variant in a gene with low rate of benign missense mutations and for which missense mutation is a common mechanism of a disease (PP2). Computational prediction tools like SIFT, PolyPhen, MutationTaster, and PHRED score support a deleterious effect of this variation (PP3). Different amino acid change in this codon (c.194A>G) is known as a pathogenic variant (PM5). In summary, the c.194A>C variant meets our criteria to be classified as Likely pathogenic

Literature cited by the submitters: PubMed 10687314.

NM_000071.3(CBS):c.194A>C (p.His65Pro)

Gene: CBS (cystathionine beta-synthase; minus strand). Cytogenetic location: 21q22.3.
Variant type: single nucleotide variant.
Coding change: c.194A>C on transcript NM_000071.3 (MANE Select); coding-DNA position 194, A replaced by C.
Protein change: p.His65Pro; replaces histidine 65 with proline.
Molecular consequence: missense variant.
Genome position (GRCh38, 1-based): chr21:43,072,000, T>G on the plus strand (A>C on the coding strand, the complement: CBS is on the minus strand). VCF-style: chr21-43072000-T-G. GRCh37 (hg19) VCF-style: chr21-44492110-T-G.
Other names: c.194A>C, p.His65Pro (NM_001178008.3, NM_001178009.3, NM_001320298.2); short protein forms H65P.
Identifiers: ClinVar variation 4857211 (VCV004857211.1).